The following is an entry in ClinVar:

NM_001291867.2(NHS):c.2012_2013insTAAAC (p.Ala672fs)

Gene: NHS (NHS actin remodeling regulator; plus strand). Cytogenetic location: Xp22.13.
Variant type: Insertion.
Coding change: c.2012_2013insTAAAC on transcript NM_001291867.2 (MANE Select); coding-DNA positions 2012 to 2013, TAAAC inserted.
Protein change: p.Ala672fs; shifts the reading frame from alanine 672.
Molecular consequence: frameshift variant.
Genome position: GRCh38 VCF-style: chrX-17726116-C-CACTAA. GRCh37 (hg19) VCF-style: chrX-17744236-C-CACTAA.
Other names: c.1481_1482insTAAAC, p.Ala495fs (NM_001136024.4); c.1418_1419insTAAAC, p.Ala474fs (NM_001291868.2); c.1949_1950insTAAAC, p.Ala651fs (NM_198270.4); short protein forms A474fs, A495fs, A651fs, A672fs.
Identifiers: ClinVar variation 3900608 (VCV003900608.1).

ClinVar aggregate classification (germline): Likely pathogenic (1 of 4 stars; one submission).

Conditions:
Cataract 40 (CTRCT40). Also called: CATARACT, CONGENITAL TOTAL, WITH POSTERIOR SUTURAL OPACITIES IN HETEROZYGOTES; CATARACT 40 WITH OR WITHOUT MICROCORNEA; Cataract 40, X-linked. Identifiers: Orphanet 91492, MedGen C4049004, MONDO:0010544, OMIM 302200.

Submission:

Genomics, Clalit Research Institute, Clalit Health Care
Classification: Likely pathogenic for Cataract 40. Last evaluated: 2025-04-20. Review status: criteria provided, single submitter. Criteria: ACMG Guidelines, 2015. Collection method: clinical testing. Allele origin: germline. Inheritance: X-linked inheritance. Affected: yes. Observed: 1 hemizygote.
Comment: Frequency: The variant is absent from the gnomAD reference population dataset. Variant type: Null variant (frameshift indel) in a gene where LOF is a known mechanism of disease. Predicted to undergo NMD. Clinical evidence: To date, the variant has not been described by reputable sources or in the primary literature.